The following is an entry in ClinVar:

ClinVar aggregate classification (germline): Uncertain significance. Review status: criteria provided, multiple submitters, no conflicts (2 of 4 stars). 3 submissions from 3 submitters: Uncertain significance (3). Last evaluated 2026-01-02.

Conditions:
NFKB1-related disorder. Also called: NFKB1-related condition.

Allele frequency attached by ClinVar (database versions not stated): TOPMed 0.00001; gnomAD 0.00002; gnomAD exomes 0.00003; ExAC 0.00005.
gnomAD v4.1: 48 of 1,614,022 alleles (0.003%); highest among the groups gnomAD compares: East Asian, 0.0045%; no homozygotes.

Submissions (3):

PreventionGenetics, part of Exact Sciences
Classification: Uncertain significance for NFKB1-related condition. Last evaluated: 2026-01-02. Review status: criteria provided, single submitter. Criteria: ACMG Guidelines, 2015. Collection method: clinical testing. Allele origin: germline.
Comment: The NFKB1 c.1822G>A variant is predicted to result in the amino acid substitution p.Asp608Asn. To our knowledge, this variant has not been reported in the literature. This variant is reported in 0.0062% of alleles in individuals of European (Non-Finnish) descent in gnomAD. At this time, the clinical significance of this variant is uncertain due to the absence of conclusive functional and genetic evidence.

Labcorp Genetics (formerly Invitae), Labcorp
Classification: Uncertain significance. Last evaluated: 2025-01-26. Review status: criteria provided, single submitter. Criteria: Invitae Variant Classification Sherloc (09022015). Collection method: clinical testing. Allele origin: germline.
Comment: This sequence change replaces aspartic acid, which is acidic and polar, with asparagine, which is neutral and polar, at codon 608 of the NFKB1 protein (p.Asp608Asn). This variant is present in population databases (rs11556612, gnomAD 0.006%). This variant has not been reported in the literature in individuals affected with NFKB1-related conditions. ClinVar contains an entry for this variant (Variation ID: 1981560). Invitae Evidence Modeling of protein sequence and biophysical properties (such as structural, functional, and spatial information, amino acid conservation, physicochemical variation, residue mobility, and thermodynamic stability) indicates that this missense variant is not expected to disrupt NFKB1 protein function with a negative predictive value of 80%. In summary, the available evidence is currently insufficient to determine the role of this variant in disease. Therefore, it has been classified as a Variant of Uncertain Significance.

Blueprint Genetics
Classification: Uncertain significance. Last evaluated: 2024-08-27. Review status: criteria provided, single submitter. Criteria: ACMG Guidelines, 2015. Collection method: clinical testing. Allele origin: germline.

NM_003998.4(NFKB1):c.1822G>A (p.Asp608Asn)

Gene: NFKB1 (nuclear factor kappa B subunit 1; plus strand). Cytogenetic location: 4q24.
Variant type: single nucleotide variant.
Coding change: c.1822G>A on transcript NM_003998.4 (MANE Select); coding-DNA position 1822, G replaced by A.
Protein change: p.Asp608Asn; replaces aspartic acid 608 with asparagine.
Molecular consequence: missense variant.
Genome position (GRCh38, 1-based): chr4:102,606,565, G>A. VCF-style: chr4-102606565-G-A. GRCh37 (hg19) VCF-style: chr4-103527722-G-A.
Other names: c.1822G>A (NM_003998.3); c.1819G>A, p.Asp607Asn (NM_001165412.2, NM_001319226.2, NM_001382627.1); c.1822G>A, p.Asp608Asn (NM_001382625.1, NM_001382626.1); c.1780G>A, p.Asp594Asn (NM_001382628.1); short protein forms D607N, D608N, D594N.
Identifiers: ClinVar variation 1981560 (VCV001981560.5), dbSNP rs11556612, ClinGen allele CA3026260.